The following is an entry in ClinVar:

NM_000078.3(CETP):c.461G>A (p.Arg154Gln)

Gene: CETP (cholesteryl ester transfer protein; plus strand). Cytogenetic location: 16q13.
Variant type: single nucleotide variant.
Coding change: c.461G>A on transcript NM_000078.3 (MANE Select); coding-DNA position 461, G replaced by A.
Protein change: p.Arg154Gln; replaces arginine 154 with glutamine.
Molecular consequence: missense variant.
Genome position (GRCh38, 1-based): chr16:56,969,935, G>A. VCF-style: chr16-56969935-G-A. GRCh37 (hg19) VCF-style: chr16-57003847-G-A.
Other names: c.461G>A, p.Arg154Gln (NM_001286085.2); short protein forms R154Q.
Identifiers: ClinVar variation 2736358 (VCV002736358.3), dbSNP rs184615182, ClinGen allele CA281522071.

ClinVar aggregate classification (germline): Uncertain significance (1 of 4 stars; one submission).

Allele frequency attached by ClinVar (database versions not stated): 1000 Genomes Project 30x 0.00031; 1000 Genomes Project 0.00040; gnomAD 0.00002; TOPMed 0.00003.
gnomAD v4.1: 29 of 1,614,112 alleles (0.0018%); highest among the groups gnomAD compares: East Asian, 0.018%; no homozygotes.

Submission:

Labcorp Genetics (formerly Invitae), Labcorp
Classification: Uncertain significance. Last evaluated: 2025-04-15. Review status: criteria provided, single submitter. Criteria: Invitae Variant Classification Sherloc (09022015). Collection method: clinical testing. Allele origin: germline.
Comment: This sequence change replaces arginine, which is basic and polar, with glutamine, which is neutral and polar, at codon 154 of the CETP protein (p.Arg154Gln). This variant is present in population databases (rs184615182, gnomAD 0.02%). This variant has not been reported in the literature in individuals affected with CETP-related conditions. ClinVar contains an entry for this variant (Variation ID: 2736358). Invitae Evidence Modeling of protein sequence and biophysical properties (such as structural, functional, and spatial information, amino acid conservation, physicochemical variation, residue mobility, and thermodynamic stability) indicates that this missense variant is not expected to disrupt CETP protein function with a negative predictive value of 80%. In summary, the available evidence is currently insufficient to determine the role of this variant in disease. Therefore, it has been classified as a Variant of Uncertain Significance.